The following is an entry in ClinVar:

NM_001142800.2(EYS):c.17T>A (p.Ile6Asn)

Gene: EYS (EGF-like photoreceptor maintenance factor; minus strand). Cytogenetic location: 6q12.
Variant type: single nucleotide variant.
Coding change: c.17T>A on transcript NM_001142800.2 (MANE Select); coding-DNA position 17, T replaced by A.
Protein change: p.Ile6Asn; replaces isoleucine 6 with asparagine.
Molecular consequence: missense variant.
Genome position (GRCh38, 1-based): chr6:65,495,394, A>T on the plus strand (T>A on the coding strand, the complement: EYS is on the minus strand). VCF-style: chr6-65495394-A-T. GRCh37 (hg19) VCF-style: chr6-66205287-A-T.
Other names: c.17T>A, p.Ile6Asn (NM_001142801.2, NM_001292009.2, NM_198283.2); short protein forms I6N.
Identifiers: ClinVar variation 4879744 (VCV004879744.1).
Genomic context (GRCh38, chr6:65,495,394, plus strand): 5'-CGTCTACATGTTTTTCCATTTATGAAAGAGCTGTGAAAAACCATCAGGCTCAGAATGACG[A>T]TTGATTTGTCAGTCATTTTCGGGTAGCTGTATTTTACAGTTTATCATAAAGAATTGCTGC-3'
Protein context (NP_001136272.1, residues 1-16): MTDKS[Ile6Asn]VILSLMVFHS

ClinVar aggregate classification (germline): Uncertain significance (1 of 4 stars; one submission).

Conditions:
Retinitis pigmentosa 25 (RP25). Identifiers: Orphanet 791, MedGen C1864446, MONDO:0011272, OMIM 602772.

gnomAD v4.1: 5 of 1,611,332 alleles (0.00031%); highest among the groups gnomAD compares: Non-Finnish European, 0.00042%; no homozygotes.

Submission:

Victorian Clinical Genetics Services, Murdoch Childrens Research Institute
Classification: Uncertain significance for Retinitis pigmentosa 25. Last evaluated: 2026-07-09. Review status: criteria provided, single submitter. Criteria: ACMG Guidelines, 2015. Collection method: clinical testing. Allele origin: germline. Affected: yes.
Comment: This variant is classified as VUS-3B. Evidence in support of pathogenic classification: This variant is present in gnomAD <0.01 for a recessive condition (v4: 5 heterozygote(s), 0 homozygote(s))). Additional information: This variant is predicted to result in a missense amino acid change from Ile to Asn; This variant is heterozygous; This gene is associated with autosomal recessive disease; Alternative amino acid change(s) at the same position are present in gnomAD (highest allele count: v4: 48 heterozygote(s), 0 homozygote(s)); This variant has no previous evidence of pathogenicity; No published evidence of segregation with disease has been identified for this variant; No published functional evidence has been identified for this variant; Another variant comparable to the one identified in this case has inconclusive previous evidence for pathogenicity. The p.(Ile6Val) variant has been classified as a VUS or likely benign by clinical laboratories in ClinVar; Variant is not located in an established domain, motif, hotspot or informative constraint region; Missense variant with inconclusive in silico prediction(s) and/or uninformative conservation; Loss of function is a known mechanism of disease in this gene and is associated with retinitis pigmentosa 25 (MIM#602772); Inheritance information for this variant is not currently available in this individual.